The following is an entry in ClinVar:

ClinVar aggregate classification (germline): Conflicting classifications of pathogenicity. Review status: criteria provided, conflicting classifications (1 of 4 stars). 8 submissions from 8 submitters: Uncertain significance (7); Likely benign (1). Last evaluated 2025-09-29.

Conditions:
Lethal congenital glycogen storage disease of heart. Also called: GLYCOGEN STORAGE DISEASE OF HEART; PHOSPHORYLASE KINASE DEFICIENCY OF HEART. Identifiers: Orphanet 439854, MedGen C1849813, MONDO:0009867, OMIM 261740.
PRKAG2-related disorder. Also called: PRKAG2-related condition; PRKAG2-related disorders.
Cardiovascular phenotype. Identifiers: MedGen CN230736.
Hypertrophic cardiomyopathy 6. Identifiers: MedGen C1833236, MONDO:0010946, OMIM 600858.
Wolff-Parkinson-White pattern. Also called: Auriculoventricular accessory pathway syndrome; False bundle branch block syndrome; Anomalous ventricular excitation syndrome; WPW SYNDROME. Identifiers: MedGen C0043202, MONDO:0008685, OMIM 194200, HP:0001716.
Cardiomyopathy (CMYO). Also called: Cardiomyopathies. Identifiers: Orphanet 167848, MedGen C0878544, MONDO:0004994, HP:0001638. Inheritance: Various modes of inheritance.
Hypertrophic cardiomyopathy. Also called: HYPERTROPHIC MYOCARDIOPATHY. Identifiers: Orphanet 217569, MedGen C0007194, MeSH D002312, MONDO:0005045, HP:0001639.

Allele frequency attached by ClinVar (database versions not stated): ExAC 0.00003; gnomAD 0.00003 and 0.00004; gnomAD exomes 0.00003 and 0.00004; TOPMed 0.00003; ESP Exome Variant Server 0.00015.
gnomAD v4.1: 51 of 1,614,026 alleles (0.0032%); highest among the groups gnomAD compares: South Asian, 0.0055%; 1 homozygote.

Submissions (8):

PreventionGenetics, part of Exact Sciences
Classification: Uncertain significance for PRKAG2-related condition. Last evaluated: 2025-09-29. Review status: criteria provided, single submitter. Criteria: ACMG Guidelines, 2015. Collection method: clinical testing. Allele origin: germline.
Comment: The PRKAG2 c.581C>T variant is predicted to result in the amino acid substitution p.Ser194Leu. To our knowledge, this variant has not been reported in the literature. This variant is reported in 0.0080% of alleles in individuals of African descent in gnomAD. At this time, the clinical significance of this variant is uncertain due to the absence of conclusive functional and genetic evidence.

Color Diagnostics, LLC DBA Color Health
Classification: Uncertain significance for Cardiomyopathy. Last evaluated: 2025-06-18. Review status: criteria provided, single submitter. Criteria: ACMG Guidelines, 2015. Collection method: clinical testing. Allele origin: germline.
Comment: This missense variant replaces serine with leucine at codon 194 of the PRKAG2 protein. Computational prediction tool is inconclusive regarding the impact of this variant on protein structure and function. To our knowledge, functional studies have not been reported for this variant. This variant has not been reported in individuals affected with PRKAG2-related disorders in the literature. This variant has been identified in 11/282864 chromosomes in the general population by the Genome Aggregation Database (gnomAD). The available evidence is insufficient to determine the role of this variant in disease conclusively. Therefore, this variant is classified as a Variant of Uncertain Significance.

Ambry Genetics
Classification: Uncertain significance for Cardiovascular phenotype. Last evaluated: 2024-12-03. Review status: criteria provided, single submitter. Criteria: Ambry Variant Classification Scheme 2023. Collection method: clinical testing. Allele origin: germline.

All of Us Research Program, National Institutes of Health
Classification: Uncertain significance for Hypertrophic cardiomyopathy. Last evaluated: 2024-09-23. Review status: criteria provided, single submitter. Criteria: ACMG Guidelines, 2015. Collection method: clinical testing. Allele origin: germline. Inheritance: Autosomal dominant inheritance. Observed: 9 variant alleles, 9 heterozygotes.
Comment: This missense variant replaces serine with leucine at codon 194 of the PRKAG2 protein. Computational prediction tool is inconclusive regarding the impact of this variant on protein structure and function (internally defined REVEL score threshold 0.5 < inconclusive < 0.7, PMID: 27666373). To our knowledge, functional studies have not been performed for this variant. This variant has not been reported in individuals affected with cardiovascular disorders in the literature. This variant has been identified in 11/282864 chromosomes in the general population by the Genome Aggregation Database (gnomAD). The available evidence is insufficient to determine the role of this variant in disease conclusively. Therefore, this variant is classified as a Variant of Uncertain Significance.

This study involves interpretation of variants in research participants for the purpose of population health screening. Participant phenotype was not available at the time of variant classification. Additional details can be found in publication PMID: 35346344, PMCID: PMC8962531

Labcorp Genetics (formerly Invitae), Labcorp
Classification: Uncertain significance for Lethal congenital glycogen storage disease of heart. Last evaluated: 2024-09-21. Review status: criteria provided, single submitter. Criteria: Invitae Variant Classification Sherloc (09022015). Collection method: clinical testing. Allele origin: germline.
Comment: This sequence change replaces serine, which is neutral and polar, with leucine, which is neutral and non-polar, at codon 194 of the PRKAG2 protein (p.Ser194Leu). This variant is present in population databases (rs145669999, gnomAD 0.004%). This variant has not been reported in the literature in individuals affected with PRKAG2-related conditions. ClinVar contains an entry for this variant (Variation ID: 572592). Invitae Evidence Modeling of protein sequence and biophysical properties (such as structural, functional, and spatial information, amino acid conservation, physicochemical variation, residue mobility, and thermodynamic stability) indicates that this missense variant is not expected to disrupt PRKAG2 protein function with a negative predictive value of 95%. In summary, the available evidence is currently insufficient to determine the role of this variant in disease. Therefore, it has been classified as a Variant of Uncertain Significance.

Blueprint Genetics
Classification: Likely benign. Last evaluated: 2023-02-28. Review status: criteria provided, single submitter. Criteria: ACMG Guidelines, 2015. Collection method: clinical testing. Allele origin: germline.

CHEO Genetics Diagnostic Laboratory, Children's Hospital of Eastern Ontario
Classification: Uncertain significance for Cardiomyopathy. Last evaluated: 2021-10-18. Review status: criteria provided, single submitter. Criteria: ACMG Guidelines, 2015. Collection method: clinical testing. Allele origin: germline.

Fulgent Genetics
Classification: Uncertain significance for Wolff-Parkinson-White pattern; Lethal congenital glycogen storage disease of heart; Hypertrophic cardiomyopathy 6. Last evaluated: 2021-07-19. Review status: criteria provided, single submitter. Criteria: ACMG Guidelines, 2015. Collection method: clinical testing. Allele origin: unknown.

NM_016203.4(PRKAG2):c.581C>T (p.Ser194Leu)

Gene: PRKAG2 (protein kinase AMP-activated non-catalytic subunit gamma 2; minus strand). Cytogenetic location: 7q36.1.
Variant type: single nucleotide variant.
Coding change: c.581C>T on transcript NM_016203.4 (MANE Select); coding-DNA position 581, C replaced by T.
Protein change: p.Ser194Leu; replaces serine 194 with leucine.
Molecular consequence: missense variant.
Genome position (GRCh38, 1-based): chr7:151,675,523, G>A on the plus strand (C>T on the coding strand, the complement: PRKAG2 is on the minus strand). VCF-style: chr7-151675523-G-A. GRCh37 (hg19) VCF-style: chr7-151372609-G-A.
Other names: c.449C>T, p.Ser150Leu (NM_001040633.2); c.209C>T, p.Ser70Leu (NM_001304527.2, NM_001363698.2); short protein forms S194L, S70L, S150L.
Identifiers: ClinVar variation 572592 (VCV000572592.23), dbSNP rs145669999, ClinGen allele CA057563.